The following is an entry in ClinVar:

NM_014297.5(ETHE1):c.378G>A (p.Ala126=)

Gene: ETHE1 (ETHE1 persulfide dioxygenase; minus strand). Cytogenetic location: 19q13.31.
Variant type: single nucleotide variant.
Coding change: c.378G>A on transcript NM_014297.5 (MANE Select); coding-DNA position 378, G replaced by A.
Protein change: p.Ala126=; no amino-acid change (alanine 126 retained).
Molecular consequence: synonymous variant.
Genome position (GRCh38, 1-based): chr19:43,511,564, C>T on the plus strand (G>A on the coding strand, the complement: ETHE1 is on the minus strand). VCF-style: chr19-43511564-C-T. GRCh37 (hg19) VCF-style: chr19-44015716-C-T.
Other names: NM_014297.4(ETHE1):c.378G>A; p.Ala126=; c.345G>A, p.Ala115= (NM_001320867.2); c.9G>A, p.Ala3= (NM_001320868.2); c.84G>A, p.Ala28= (NM_001320869.2).
Identifiers: ClinVar variation 379605 (VCV000379605.14), dbSNP rs138427304, ClinGen allele CA9487866.

ClinVar aggregate classification (germline): Benign. Review status: reviewed by expert panel (3 of 4 stars). 4 submissions from 4 submitters: Benign (1). 3 of the submissions do not count toward it. Last evaluated 2020-08-18.

Conditions:
Ethylmalonic encephalopathy (EE). Also called: EPEMA syndrome; Encephalopathy, petechiae, and ethylmalonic aciduria; Syndrome of encephalopathy, petechiae, and ethylmalonic aciduria. Identifiers: Orphanet 51188, MedGen C1865349, MONDO:0011229, OMIM 602473. Disease mechanism: loss of function.

Allele frequency attached by ClinVar (database versions not stated): ESP Exome Variant Server 0.00008; TOPMed 0.00014.
gnomAD v4.1: 278 of 1,613,184 alleles (0.017%); highest among the groups gnomAD compares: Admixed American, 0.023%; 1 homozygote.

Submissions (4):

ClinGen Mitochondrial Disease Nuclear and Mitochondrial  Variant Curation Expert Panel, ClinGen
Classification: Benign for Ethylmalonic encephalopathy. Last evaluated: 2020-08-18. Review status: reviewed by expert panel. Criteria: clingen mito disease acmg specifications v1-1. Collection method: curation. Allele origin: germline. Inheritance: Autosomal recessive inheritance.
Comment: The filtering allele frequency of the c.378G>A variant in the ETHE1 gene is >0.2% by the Exome Aggregation Consortium, which is a high enough frequency to be classified as benign based on thresholds defined by the ClinGen Mito Variant Curation Expert Panel (BA1)

Labcorp Genetics (formerly Invitae), Labcorp
Classification: Benign for Ethylmalonic encephalopathy. Last evaluated: 2026-01-19. Review status: criteria provided, single submitter. Criteria: Invitae Variant Classification Sherloc (09022015). Collection method: clinical testing. Allele origin: germline. Not counted in ClinVar's aggregate classification.

Blueprint Genetics
Classification: Likely benign. Last evaluated: 2024-11-07. Review status: criteria provided, single submitter. Criteria: ACMG Guidelines, 2015. Collection method: clinical testing. Allele origin: germline. Not counted in ClinVar's aggregate classification.

GeneDx
Classification: Benign. Last evaluated: 2016-03-04. Review status: criteria provided, single submitter. Criteria: GeneDx Variant Classification (06012015). Collection method: clinical testing. Allele origin: germline. Affected: yes. Not counted in ClinVar's aggregate classification.
Comment: This variant is considered likely benign or benign based on one or more of the following criteria: it is a conservative change, it occurs at a poorly conserved position in the protein, it is predicted to be benign by multiple in silico algorithms, and/or has population frequency not consistent with disease.